The following is an entry in ClinVar:

NM_198994.3(TGM6):c.587G>A (p.Arg196Gln)

Gene: TGM6 (transglutaminase 6; plus strand). Cytogenetic location: 20p13.
Variant type: single nucleotide variant.
Coding change: c.587G>A on transcript NM_198994.3 (MANE Select); coding-DNA position 587, G replaced by A.
Protein change: p.Arg196Gln; replaces arginine 196 with glutamine.
Molecular consequence: missense variant.
Genome position (GRCh38, 1-based): chr20:2,397,961, G>A. VCF-style: chr20-2397961-G-A. GRCh37 (hg19) VCF-style: chr20-2378607-G-A.
Other names: c.587G>A, p.Arg196Gln (NM_001254734.2); short protein forms R196Q.
Identifiers: ClinVar variation 448679 (VCV000448679.2), dbSNP rs199599368, ClinGen allele CA9731726.
Genomic context (GRCh38, chr20:2,397,961, plus strand): 5'-GCCTCTCTGGGGAGCAGTTTGAGGAGGACATCCTGAACATCTGCCTCTCCATCCTGGATC[G>A]AAGCCCCGGTCACCAAAACAACCCAGCCACCGACGTGTCCTGCCGCCACAACCCCATCTA-3'
Protein context (NP_945345.2, residues 186-206): ILNICLSILD[Arg196Gln]SPGHQNNPAT

ClinVar aggregate classification (germline): Uncertain significance. Review status: criteria provided, multiple submitters, no conflicts (2 of 4 stars). 2 submissions from 2 submitters: Uncertain significance (2). Last evaluated 2025-05-09.

Allele frequency attached by ClinVar (database versions not stated): gnomAD 0.00006 and 0.00007; 1000 Genomes Project 30x 0.00016; 1000 Genomes Project 0.00020; gnomAD exomes 0.00003; TOPMed 0.00003; ExAC 0.00006.

Submissions (2):

Women's Health and Genetics/Laboratory Corporation of America, LabCorp
Classification: Uncertain significance. Last evaluated: 2025-05-09. Review status: criteria provided, single submitter. Criteria: LabCorp Variant Classification Summary - May 2015. Collection method: clinical testing. Allele origin: germline.
Comment: Variant summary: TGM6 c.587G>A (p.Arg196Gln) results in a conservative amino acid change in the encoded protein sequence. Algorithms developed to predict the effect of missense changes on protein structure and function are either unavailable or do not agree on the potential impact of this missense change. The variant allele was found at a frequency of 3.2e-05 in 251460 control chromosomes. The available data on variant occurrences in the general population are insufficient to allow any conclusion about variant significance. To our knowledge, no occurrence of c.587G>A in individuals affected with Spinocerebellar Ataxia 35 and no experimental evidence demonstrating its impact on protein function have been reported. ClinVar contains an entry for this variant (Variation ID: 448679). Based on the evidence outlined above, the variant was classified as uncertain significance.

Athena Diagnostics
Classification: Uncertain significance. Last evaluated: 2016-12-30. Review status: criteria provided, single submitter. Criteria: Athena Diagnostics Criteria. Collection method: clinical testing. Allele origin: germline.